The following is an entry in ClinVar:

ClinVar aggregate classification (germline): Uncertain significance (1 of 4 stars; one submission).

Submission:

Labcorp Genetics (formerly Invitae), Labcorp
Classification: Uncertain significance. Last evaluated: 2022-10-17. Review status: criteria provided, single submitter. Criteria: Invitae Variant Classification Sherloc (09022015). Collection method: clinical testing. Allele origin: unknown.
Comment: In summary, the available evidence is currently insufficient to determine the role of this variant in disease. Therefore, it has been classified as a Variant of Uncertain Significance. This variant has not been reported in the literature in individuals affected with FSCN2-related conditions. This variant results in the deletion of part of exon 1 (c.-3417_530del) of the FSCN2 gene. It is expected to result in an absent or disrupted protein product. However, the current clinical and genetic evidence is not sufficient to establish whether loss-of-function variants in FSCN2 cause disease.

NC_000017.10:g.(?_79492141)_(79496087_?)del

Gene: FSCN2 (fascin actin-bundling protein 2, retinal; plus strand). Cytogenetic location: 17q25.3.
Variant type: Deletion.
Identifiers: ClinVar variation 3243135 (VCV003243135.1).